The following is an entry in ClinVar:

ClinVar aggregate classification (germline): Uncertain significance (1 of 4 stars; one submission).

Conditions:
EAST syndrome (SESAMES). Also called: SEIZURES, SENSORINEURAL DEAFNESS, ATAXIA, IMPAIRED INTELLECTUAL DEVELOPMENT, AND ELECTROLYTE IMBALANCE. Identifiers: Orphanet 199343, MedGen C2748572, MONDO:0013005, OMIM 612780.

Submission:

Labcorp Genetics (formerly Invitae), Labcorp
Classification: Uncertain significance for EAST syndrome. Last evaluated: 2025-01-26. Review status: criteria provided, single submitter. Criteria: Invitae Variant Classification Sherloc (09022015). Collection method: clinical testing. Allele origin: germline.
Comment: This sequence change replaces leucine, which is neutral and non-polar, with arginine, which is basic and polar, at codon 207 of the KCNJ10 protein (p.Leu207Arg). This variant is not present in population databases (gnomAD no frequency). This variant has not been reported in the literature in individuals affected with KCNJ10-related conditions. Invitae Evidence Modeling of protein sequence and biophysical properties (such as structural, functional, and spatial information, amino acid conservation, physicochemical variation, residue mobility, and thermodynamic stability) has been performed for this missense variant. However, the output from this modeling did not meet the statistical confidence thresholds required to predict the impact of this variant on KCNJ10 protein function. In summary, the available evidence is currently insufficient to determine the role of this variant in disease. Therefore, it has been classified as a Variant of Uncertain Significance.

NM_002241.5(KCNJ10):c.620T>G (p.Leu207Arg)

Gene: KCNJ10 (potassium inwardly rectifying channel subfamily J member 10; minus strand). Cytogenetic location: 1q23.2.
Variant type: single nucleotide variant.
Coding change: c.620T>G on transcript NM_002241.5 (MANE Select); coding-DNA position 620, T replaced by G.
Protein change: p.Leu207Arg; replaces leucine 207 with arginine.
Molecular consequence: missense variant.
Genome position (GRCh38, 1-based): chr1:160,041,913, A>C on the plus strand (T>G on the coding strand, the complement: KCNJ10 is on the minus strand). VCF-style: chr1-160041913-A-C. GRCh37 (hg19) VCF-style: chr1-160011703-A-C.
Other names: short protein forms L207R.
Identifiers: ClinVar variation 3614789 (VCV003614789.2).